The following is an entry in ClinVar:

ClinVar aggregate classification (germline): Uncertain significance. Review status: criteria provided, multiple submitters, no conflicts (2 of 4 stars). 2 submissions from 2 submitters: Uncertain significance (2). Last evaluated 2025-08-29.

Conditions:
Intellectual developmental disorder, autosomal dominant 1. Also called: MBD5 Haploinsufficiency; Intellectual disability, autosomal dominant 1. Identifiers: Orphanet 228402, MedGen C1969562, MONDO:0007974, OMIM 156200.

gnomAD v4.1: 7 of 1,613,996 alleles (0.00043%); highest among the groups gnomAD compares: Non-Finnish European, 0.00051%; no homozygotes.

Submissions (2):

Labcorp Genetics (formerly Invitae), Labcorp
Classification: Uncertain significance for Intellectual developmental disorder, autosomal dominant 1. Last evaluated: 2025-08-29. Review status: criteria provided, single submitter. Criteria: Invitae Variant Classification Sherloc (09022015). Collection method: clinical testing. Allele origin: germline.
Comment: This sequence change replaces arginine, which is basic and polar, with glycine, which is neutral and non-polar, at codon 1209 of the MBD5 protein (p.Arg1209Gly). This variant is present in population databases (rs762545887, gnomAD 0.0009%). This variant has not been reported in the literature in individuals affected with MBD5-related conditions. ClinVar contains an entry for this variant (Variation ID: 3369804). Experimental studies and prediction algorithms are not available or were not evaluated, and the functional significance of this variant is currently unknown. In summary, the available evidence is currently insufficient to determine the role of this variant in disease. Therefore, it has been classified as a Variant of Uncertain Significance.

GeneDx
Classification: Uncertain significance. Last evaluated: 2024-02-28. Review status: criteria provided, single submitter. Criteria: GeneDx Variant Classification Process June 2021. Collection method: clinical testing. Allele origin: germline. Affected: yes.
Comment: Not observed at significant frequency in large population cohorts (gnomAD); In silico analysis supports that this missense variant does not alter protein structure/function; Has not been previously published as pathogenic or benign to our knowledge

NM_001378120.1(MBD5):c.4324A>G (p.Arg1442Gly)

Gene: MBD5 (methyl-CpG binding domain protein 5; plus strand). Cytogenetic location: 2q23.1.
Variant type: single nucleotide variant.
Coding change: c.4324A>G on transcript NM_001378120.1 (MANE Select); coding-DNA position 4324, A replaced by G.
Protein change: p.Arg1442Gly; replaces arginine 1442 with glycine.
Molecular consequence: missense variant.
Genome position (GRCh38, 1-based): chr2:148,489,956, A>G. VCF-style: chr2-148489956-A-G. GRCh37 (hg19) VCF-style: chr2-149247525-A-G.
Other names: c.3625A>G, p.Arg1209Gly (NM_018328.5); short protein forms R1209G, R1442G.
Identifiers: ClinVar variation 3369804 (VCV003369804.2).